The following is an entry in ClinVar:

NM_206933.4(USH2A):c.5945G>T (p.Gly1982Val)

Gene: USH2A (usherin; minus strand). Cytogenetic location: 1q41.
Variant type: single nucleotide variant.
Coding change: c.5945G>T on transcript NM_206933.4 (MANE Select); coding-DNA position 5945, G replaced by T.
Protein change: p.Gly1982Val; replaces glycine 1982 with valine.
Molecular consequence: missense variant.
Genome position (GRCh38, 1-based): chr1:216,070,205, C>A on the plus strand (G>T on the coding strand, the complement: USH2A is on the minus strand). VCF-style: chr1-216070205-C-A. GRCh37 (hg19) VCF-style: chr1-216243547-C-A.
Other names: short protein forms G1982V.
Identifiers: ClinVar variation 1912248 (VCV001912248.6), dbSNP rs765590481, ClinGen allele CA37476343.

ClinVar aggregate classification (germline): Uncertain significance. Review status: criteria provided, multiple submitters, no conflicts (2 of 4 stars). 2 submissions from 2 submitters: Uncertain significance (2). Last evaluated 2025-09-02.

Submissions (2):

Labcorp Genetics (formerly Invitae), Labcorp
Classification: Uncertain significance. Last evaluated: 2025-09-02. Review status: criteria provided, single submitter. Criteria: Invitae Variant Classification Sherloc (09022015). Collection method: clinical testing. Allele origin: germline.
Comment: This sequence change replaces glycine, which is neutral and non-polar, with valine, which is neutral and non-polar, at codon 1982 of the USH2A protein (p.Gly1982Val). This variant is not present in population databases (gnomAD no frequency). This variant has not been reported in the literature in individuals affected with USH2A-related conditions. ClinVar contains an entry for this variant (Variation ID: 1912248). Invitae Evidence Modeling of protein sequence and biophysical properties (such as structural, functional, and spatial information, amino acid conservation, physicochemical variation, residue mobility, and thermodynamic stability) indicates that this missense variant is expected to disrupt USH2A protein function with a positive predictive value of 95%. In summary, the available evidence is currently insufficient to determine the role of this variant in disease. Therefore, it has been classified as a Variant of Uncertain Significance.

Blueprint Genetics
Classification: Uncertain significance. Last evaluated: 2023-04-17. Review status: criteria provided, single submitter. Criteria: ACMG Guidelines, 2015. Collection method: clinical testing. Allele origin: germline.